The following is an entry in ClinVar:

ClinVar aggregate classification (germline): Pathogenic (1 of 4 stars; one submission).

Conditions:
Pitt-Hopkins syndrome (PTHS). Also called: ENCEPHALOPATHY, SEVERE EPILEPTIC, WITH AUTONOMIC DYSFUNCTION; MENTAL RETARDATION, SYNDROMAL, WITH INTERMITTENT HYPERVENTILATION. Identifiers: Orphanet 2896, MedGen C1970431, MONDO:0012589, OMIM 610954.

Submission:

Department of Medical Genetics, Sanjay Gandhi Post Graduate Institute of Medical Sciences
Classification: Pathogenic for Pitt-Hopkins syndrome. Review status: criteria provided, single submitter. Criteria: ACMG Guidelines, 2015. Collection method: research. Allele origin: de novo. Inheritance: Autosomal dominant inheritance. Affected: yes. Observed: 1 heterozygote.
Comment: Analysis of the exome sequencing data showed a novel heterozygous sequence variant in TCF4 gene. This variant is classified as pathogenic which shows strong evidence of pathogenicity according to ACMG guidelines (Richards et al., 2015). Sanger sequencing confirmed that the variation is inherited in a de novo pattern.

NM_001083962.2(TCF4):c.1086del (p.Trp362fs)

Gene: TCF4 (transcription factor 4; minus strand). Cytogenetic location: 18q21.2.
Variant type: Deletion.
Coding change: c.1086del on transcript NM_001083962.2 (MANE Select); coding-DNA position 1086, one base deleted (G; older notation c.1086delG).
Protein change: p.Trp362fs; shifts the reading frame from tryptophan 362.
Molecular consequence: frameshift variant.
Genome position (GRCh38, 1-based): chr18:55,257,375, C deleted on the plus strand (G on the coding strand, the reverse complement: TCF4 is on the minus strand); the first of 2 consecutive C bases (chr18:55,257,375-55,257,376); deleting either gives the same sequence. VCF-style (leftmost placement, unchanged base first): chr18-55257374-AC-A. GRCh37 (hg19) VCF-style: chr18-52924605-AC-A.
Other names: c.1392del, p.Trp464fs (NM_001243226.3); c.1014del, p.Trp338fs (NM_001243227.2, NM_001306207.1, NM_001348217.1 and 5 more transcripts); c.1104del, p.Trp368fs (NM_001243228.2); c.1077del, p.Trp359fs (NM_001243230.2); c.960del, p.Trp320fs (NM_001243231.2, NM_001348211.2); c.873del, p.Trp291fs (NM_001243232.1, NM_001306208.1); c.696del, p.Trp232fs (NM_001243233.2, NM_001330605.3, NM_001348212.2 and 1 more transcripts); c.606del, p.Trp202fs (NM_001243234.2, NM_001243235.2, NM_001243236.2 and 1 more transcripts); and 6 more; short protein forms W146fs, W201fs, W202fs, W232fs, W291fs, W320fs, W337fs, W338fs.
Identifiers: ClinVar variation 982292 (VCV000982292.2), dbSNP rs2145600541, ClinGen allele CA2499225218.